The following is an entry in ClinVar:

NM_000051.4(ATM):c.7166C>G (p.Ser2389Ter)

Genes: ATM (ATM serine/threonine kinase; plus strand), C11orf65 (chromosome 11 open reading frame 65; minus strand). Cytogenetic location: 11q22.3.
Variant type: single nucleotide variant.
Coding change: c.7166C>G on transcript NM_000051.4 (MANE Select); coding-DNA position 7166, C replaced by G.
Protein change: p.Ser2389Ter; replaces serine 2389 with a stop codon.
Molecular consequence: nonsense. On other transcripts: intron variant (2).
Genome position (GRCh38, 1-based): chr11:108,329,097, C>G. VCF-style: chr11-108329097-C-G. GRCh37 (hg19) VCF-style: chr11-108199824-C-G.
Other names: c.7166C>G, p.Ser2389Ter (NM_001351834.2); c.641-20026G>C (NM_001330368.2); c.*38+6123G>C (NM_001351110.2); short protein forms S2389*.
Identifiers: ClinVar variation 370874 (VCV000370874.15), dbSNP rs1018140779, ClinGen allele CA16041426.
Genomic context (GRCh38, chr11:108,329,097, plus strand): 5'-GAAATTATGATGGAGAAAGTAGTGATGAGCTAAGAAATGGAAAAATGAAGGCATTTCTCT[C>G]ATTAGCCCGGTTTTCAGATACTCAATACCAAAGAATTGAAAACTACATGAAATCATCGGA-3'

ClinVar aggregate classification (germline): Pathogenic. Review status: criteria provided, multiple submitters, no conflicts (2 of 4 stars). 4 submissions from 4 submitters: Pathogenic (3). 1 of the submissions does not count toward it. Last evaluated 2025-05-30.

Conditions:
Hereditary cancer-predisposing syndrome. Also called: Neoplastic Syndromes, Hereditary; Hereditary neoplastic syndrome; Hereditary Cancer Syndrome; Tumor predisposition. Identifiers: Orphanet 140162, MedGen C0027672, MeSH D009386, MONDO:0015356.
Familial cancer of breast. Also called: hereditary breast carcinoma; Hereditary breast cancer; BREAST CANCER, FAMILIAL. Identifiers: Orphanet 227535, MedGen C0346153, MONDO:0016419, OMIM 114480. Disease mechanism: loss of function.
Ataxia-telangiectasia syndrome (AT). Also called: Ataxia-telangiectasia, complementation group D; Ataxia-telangiectasia, complementation group E; LOUIS-BAR SYNDROME; AT, COMPLEMENTATION GROUP C; ATAXIA-TELANGIECTASIA, COMPLEMENTATION GROUP A; ATAXIA-TELANGIECTASIA, FRESNO VARIANT. Identifiers: Orphanet 100, MedGen C0004135, MONDO:0008840, OMIM 208900.

Submissions (4):

Ambry Genetics
Classification: Pathogenic for Hereditary cancer-predisposing syndrome. Last evaluated: 2025-05-30. Review status: criteria provided, single submitter. Criteria: Ambry Variant Classification Scheme 2023. Collection method: clinical testing. Allele origin: germline.
Comment: The p.S2389* pathogenic mutation (also known as c.7166C>G), located in coding exon 48 of the ATM gene, results from a C to G substitution at nucleotide position 7166. This changes the amino acid from a serine to a stop codon within coding exon 48. This variant has been identified in the homozygous state and/or in conjunction with other ATM variant(s) in individual(s) who met clinical criteria for Ataxia telangiectasia; in at least one instance, the variants were identified in trans (Huang Y et al. Neuromolecular Med, 2013 Sep;15:536-40). This variant is considered to be rare based on population cohorts in the Genome Aggregation Database (gnomAD). This alteration is expected to result in loss of function by premature protein truncation or nonsense-mediated mRNA decay. As such, this alteration is interpreted as a disease-causing mutation.

Baylor Genetics
Classification: Pathogenic for Familial cancer of breast. Last evaluated: 2024-01-27. Review status: criteria provided, single submitter. Criteria: ACMG Guidelines, 2015. Collection method: clinical testing. Allele origin: unknown.

Labcorp Genetics (formerly Invitae), Labcorp
Classification: Pathogenic for Ataxia-telangiectasia syndrome. Last evaluated: 2021-01-02. Review status: criteria provided, single submitter. Criteria: Invitae Variant Classification Sherloc (09022015). Collection method: clinical testing. Allele origin: germline.
Comment: For these reasons, this variant has been classified as Pathogenic. This variant has been observed in individual(s) with autosomal recessive ataxia-telangiectasia (PMID: 23807571). In at least one individual the data is consistent with the variant being in trans (on the opposite chromosome) from a pathogenic variant. ClinVar contains an entry for this variant (Variation ID: 370874). This variant is not present in population databases (ExAC no frequency). This sequence change creates a premature translational stop signal (p.Ser2389*) in the ATM gene. It is expected to result in an absent or disrupted protein product. Loss-of-function variants in ATM are known to be pathogenic (PMID: 23807571, 25614872).

Counsyl
Classification: Likely pathogenic for Ataxia-telangiectasia syndrome. Last evaluated: 2016-05-06. Review status: no assertion criteria provided. Collection method: clinical testing. Allele origin: unknown. Not counted in ClinVar's aggregate classification.

Literature cited by the submitters: PubMed 23807571 (cited by 3 submitters); PubMed 25614872 (cited by Labcorp Genetics (formerly Invitae), Labcorp).